The following is an entry in ClinVar:

NM_017654.4(SAMD9):c.2374G>A (p.Val792Ile)

Gene: SAMD9 (sterile alpha motif domain containing 9; minus strand). Cytogenetic location: 7q21.2.
Variant type: single nucleotide variant.
Coding change: c.2374G>A on transcript NM_017654.4 (MANE Select); coding-DNA position 2374, G replaced by A.
Protein change: p.Val792Ile; replaces valine 792 with isoleucine.
Molecular consequence: missense variant.
Genome position (GRCh38, 1-based): chr7:93,103,724, C>T on the plus strand (G>A on the coding strand, the complement: SAMD9 is on the minus strand). VCF-style: chr7-93103724-C-T. GRCh37 (hg19) VCF-style: chr7-92733037-C-T.
Other names: c.2374G>A, p.Val792Ile (NM_001193307.2); short protein forms V792I.
Identifiers: ClinVar variation 1025396 (VCV001025396.21), dbSNP rs147587391, ClinGen allele CA4342846.

ClinVar aggregate classification (germline): Conflicting classifications of pathogenicity. Review status: criteria provided, conflicting classifications (1 of 4 stars). 8 submissions from 8 submitters: Uncertain significance (2); Benign (2); Likely benign (3). 1 of the submissions does not count toward it. Last evaluated 2026-01-24.

Conditions:
Inborn genetic diseases. Identifiers: MedGen C0950123, MeSH D030342.
SAMD9-related disorder. Also called: SAMD9-related condition.

Allele frequency attached by ClinVar (database versions not stated): 1000 Genomes Project 30x 0.00031; gnomAD 0.00032 and 0.00031; gnomAD exomes 0.00051 and 0.00040; 1000 Genomes Project 0.00020; TOPMed 0.00034; ExAC 0.00042; ESP Exome Variant Server 0.00046.
gnomAD v4.1: 632 of 1,613,682 alleles (0.039%); highest among the groups gnomAD compares: Non-Finnish European, 0.032%; no homozygotes.

Submissions (8):

Labcorp Genetics (formerly Invitae), Labcorp
Classification: Benign. Last evaluated: 2026-01-24. Review status: criteria provided, single submitter. Criteria: Invitae Variant Classification Sherloc (09022015). Collection method: clinical testing. Allele origin: germline.

Laboratory of Genetics, Children's Clinical University Hospital Latvia
Classification: Benign. Last evaluated: 2025-02-16. Review status: criteria provided, single submitter. Criteria: ACMG Guidelines, 2015. Collection method: clinical testing. Allele origin: germline. Affected: yes.

ARUP Laboratories, Molecular Genetics and Genomics, ARUP Laboratories
Classification: Uncertain significance. Last evaluated: 2024-11-27. Review status: criteria provided, single submitter. Criteria: ARUP Molecular Germline Variant Investigation Process 2024. Collection method: clinical testing. Allele origin: germline.
Comment: The SAMD9 c.2374G>A; p.Val792Ile variant (rs147587391), to our knowledge, is not reported in the medical literature but is reported in ClinVar (Variation ID: 1025396). This variant is found in the general population with an overall allele frequency of 0.05% (138/282682 alleles) in the Genome Aggregation Database (v2.1.1). Computational analyses predict that this variant is neutral (REVEL: 0.148). While the high population frequency suggests that this is likely a benign variant, given the lack of clinical and functional data, the significance of this variant is uncertain at this time.

Blueprint Genetics
Classification: Likely benign. Last evaluated: 2024-11-08. Review status: criteria provided, single submitter. Criteria: ACMG Guidelines, 2015. Collection method: clinical testing. Allele origin: germline.

GeneDx
Classification: Uncertain significance. Last evaluated: 2023-07-28. Review status: criteria provided, single submitter. Criteria: GeneDx Variant Classification Process June 2021. Collection method: clinical testing. Allele origin: germline. Affected: yes.
Comment: In silico analysis supports that this missense variant does not alter protein structure/function; Has not been previously published as pathogenic or benign to our knowledge; This variant is associated with the following publications: (PMID: 28545555)

Ambry Genetics
Classification: Likely benign for Inborn genetic diseases. Last evaluated: 2021-10-21. Review status: criteria provided, single submitter. Criteria: Ambry Variant Classification Scheme 2023. Collection method: clinical testing. Allele origin: germline.

Genetic Services Laboratory, University of Chicago
Classification: Likely benign. Last evaluated: 2018-11-26. Review status: criteria provided, single submitter. Criteria: ACMG Guidelines, 2015. Collection method: clinical testing. Allele origin: germline. Affected: no.

PreventionGenetics, part of Exact Sciences
Classification: Likely benign for SAMD9-related condition. Last evaluated: 2020-04-15. Review status: no assertion criteria provided. Collection method: clinical testing. Allele origin: germline. Not counted in ClinVar's aggregate classification.
Comment: This variant is classified as likely benign based on ACMG/AMP sequence variant interpretation guidelines (Richards et al. 2015 PMID: 25741868, with internal and published modifications).